The following is an entry in ClinVar:

NM_001394372.1(BICRA):c.2666C>T (p.Ala889Val)

Gene: BICRA (BRD4 interacting chromatin remodeling complex associated protein; plus strand). Cytogenetic location: 19q13.33.
Variant type: single nucleotide variant.
Coding change: c.2666C>T on transcript NM_001394372.1 (MANE Select); coding-DNA position 2666, C replaced by T.
Protein change: p.Ala889Val; replaces alanine 889 with valine.
Molecular consequence: missense variant.
Genome position (GRCh38, 1-based): chr19:47,694,497, C>T. VCF-style: chr19-47694497-C-T. GRCh37 (hg19) VCF-style: chr19-48197754-C-T.
Other names: c.2666C>T, p.Ala889Val (NM_015711.3); short protein forms A889V.
Identifiers: ClinVar variation 2650177 (VCV002650177.24), dbSNP rs866399447, ClinGen allele CA406620889.
Genomic context (GRCh38, chr19:47,694,497, plus strand): 5'-CTGAGGGACCGCTGCCCCCAGCCCCCCACCTCCCTCCATCCTCCACCTCCTCTGCTGTGG[C>T]CTCCTCCTCTGAGACGTCCTCCAGGTTGCCAGCCCCTACGCCATCCGACTTCCAGCTCCA-3'
Protein context (NP_001381301.1, residues 879-899): LPPSSTSSAV[Ala889Val]SSSETSSRLP

ClinVar aggregate classification (germline): Uncertain significance (1 of 4 stars; one submission).

Allele frequency attached by ClinVar (database versions not stated): gnomAD exomes below 0.00001; TOPMed 0.00001.

Submission:

CeGaT Center for Human Genetics Tuebingen
Classification: Uncertain significance. Last evaluated: 2023-10-01. Review status: criteria provided, single submitter. Criteria: CeGaT Center For Human Genetics Tuebingen Variant Classification Criteria Version 2. Collection method: clinical testing. Allele origin: germline. Affected: yes. Observed: 1 variant allele.
Comment: BICRA: PM2